The following is an entry in ClinVar:

ClinVar aggregate classification (germline): Benign. Review status: criteria provided, multiple submitters, no conflicts (2 of 4 stars). 2 submissions from 2 submitters: Benign (2). Last evaluated 2018-01-13.

Conditions:
Cystathioninuria. Also called: CYSTATHIONASE DEFICIENCY. Identifiers: Orphanet 212, MedGen C0220993, MONDO:0009058, OMIM 219500, HP:0003153.

Allele frequency attached by ClinVar (database versions not stated): 1000 Genomes Project 0.19688; gnomAD 0.22168 and 0.22507; 1000 Genomes Project 30x 0.19597; TOPMed 0.22666.

Submissions (2):

Illumina Laboratory Services, Illumina
Classification: Benign for Cystathioninuria. Last evaluated: 2018-01-13. Review status: criteria provided, single submitter. Criteria: ICSL Variant Classification Criteria 13 December 2019. Collection method: clinical testing. Allele origin: germline.
Comment: This variant was observed in the ICSL laboratory as part of a predisposition screen in an ostensibly healthy population. It had not been previously curated by ICSL or reported in the Human Gene Mutation Database (HGMD: prior to June 1st, 2018), and was therefore a candidate for classification through an automated scoring system. Utilizing variant allele frequency, disease prevalence and penetrance estimates, and inheritance mode, an automated score was calculated to assess if this variant is too frequent to cause the disease. Based on the score and internal cut-off values, a variant classified as benign is not then subjected to further curation. The score for this variant resulted in a classification of benign for this disease.

Breakthrough Genomics
Classification: Benign. Review status: criteria provided, single submitter. Criteria: ACMG Guidelines, 2015. Collection method: not provided. Allele origin: germline. Inheritance: Autosomal recessive inheritance. Affected: yes.

NM_001902.6(CTH):c.*592C>T

Gene: CTH (cystathionine gamma-lyase; plus strand). Cytogenetic location: 1p31.1.
Variant type: single nucleotide variant.
Coding change: c.*592C>T on transcript NM_001902.6 (MANE Select); 592 bases downstream of the stop codon, C replaced by T.
Molecular consequence: 3 prime UTR variant.
Genome position (GRCh38, 1-based): chr1:70,439,719, C>T. VCF-style: chr1-70439719-C-T. GRCh37 (hg19) VCF-style: chr1-70905402-C-T.
Other names: c.*592C>T (NM_001190463.2, NM_153742.5).
Identifiers: ClinVar variation 298053 (VCV000298053.6), dbSNP rs6677781, ClinGen allele CA10611463.